The following is an entry in ClinVar:

ClinVar aggregate classification (germline): Uncertain significance (1 of 4 stars; one submission).

Conditions:
Fabry disease. Also called: ALPHA-GALACTOSIDASE A DEFICIENCY; ANDERSON-FABRY DISEASE; CERAMIDE TRIHEXOSIDASE DEFICIENCY; GLA DEFICIENCY; HEREDITARY DYSTOPIC LIPIDOSIS; Angiokeratoma corporis diffusum. Identifiers: Orphanet 324, MedGen C0002986, MONDO:0010526, OMIM 301500, HP:0001071. Disease mechanism: Fabry disease is due to inactivating mutations in the X-linked GLA gene resulting in deficiency of the enzyme Alpha Galactosidase-A., loss of function.

Submission:

Genomenon, Inc
Classification: Uncertain significance for Fabry disease. Last evaluated: 2026-09-08. Review status: criteria provided, single submitter. Criteria: Genomenon Sequence Variant Interpretation Standards - Updated. Collection method: curation. Allele origin: germline. Affected: no.
Comment: GLA p.Phe229Leu (c.687T>A) is a missense variant that changes the amino acid at codon 229 from Phenylalanine to Leucine. This variant has been reported in the published literature (PMID:17223430;27657681). This variant is located in a mutational hotspot and/or important functional domain. It is absent or not present at a significant frequency in gnomAD. In silico models predict that this variant is possibly or probably damaging. In conclusion, we classify GLA p.Phe229Leu (c.687T>A) as a variant of uncertain significance.

Literature cited by the submitters: PubMed 17223430; PubMed 27657681.

NM_000169.3(GLA):c.687T>A (p.Phe229Leu)

Genes: GLA (galactosidase alpha; minus strand), RPL36A-HNRNPH2 (RPL36A-HNRNPH2 readthrough; plus strand). Cytogenetic location: Xq22.1.
Variant type: single nucleotide variant.
Coding change: c.687T>A on transcript NM_000169.3 (MANE Select); coding-DNA position 687, T replaced by A.
Protein change: p.Phe229Leu; replaces phenylalanine 229 with leucine.
Molecular consequence: missense variant. On other transcripts: non-coding transcript variant (3), intron variant (2).
Genome position (GRCh38, 1-based): chrX:101,398,899, A>T on the plus strand (T>A on the coding strand, the complement: GLA is on the minus strand). VCF-style: chrX-101398899-A-T. GRCh37 (hg19) VCF-style: chrX-100653887-A-T.
Other names: c.810T>A, p.Phe270Leu (NM_001406747.1); c.687T>A, p.Phe229Leu (NM_001406748.1); c.300+3442A>T (NM_001199973.2); c.177+7077A>T (NM_001199974.2); short protein forms F229L, F270L.
Identifiers: ClinVar variation 4087468 (VCV004087468.2).